The following is an entry in ClinVar:

NM_001242896.3(DEPDC5):c.3567A>G (p.Thr1189=)

Gene: DEPDC5 (DEP domain containing 5, GATOR1 subcomplex subunit; plus strand). Cytogenetic location: 22q12.3.
Variant type: single nucleotide variant.
Coding change: c.3567A>G on transcript NM_001242896.3 (MANE Select); coding-DNA position 3567, A replaced by G.
Protein change: p.Thr1189=; no amino-acid change (threonine 1189 retained).
Molecular consequence: synonymous variant. On other transcripts: non-coding transcript variant (4).
Genome position (GRCh38, 1-based): chr22:31,874,276, A>G. VCF-style: chr22-31874276-A-G. GRCh37 (hg19) VCF-style: chr22-32270262-A-G.
Other names: c.3540A>G, p.Thr1180= (NM_001136029.4); c.3267A>G, p.Thr1089= (NM_001242897.2); c.3501A>G, p.Thr1167= (NM_001363852.2, NM_001364320.2); c.3333A>G, p.Thr1111= (NM_001363854.2, NM_001364319.2); c.3567A>G, p.Thr1189= (NM_001364318.2); c.3483A>G, p.Thr1161= (NM_001369901.1, NM_001369902.1); c.3474A>G, p.Thr1158= (NM_001369903.1, NM_014662.6).
Identifiers: ClinVar variation 414474 (VCV000414474.53), dbSNP rs142197878, ClinGen allele CA10197036.

ClinVar aggregate classification (germline): Benign/Likely benign. Review status: criteria provided, multiple submitters, no conflicts (2 of 4 stars). 10 submissions from 10 submitters: Benign (4); Likely benign (3). 3 of the submissions do not count toward it. Last evaluated 2026-01-26.

Conditions:
Familial focal epilepsy with variable foci (FPEVF). Identifiers: Orphanet 98820, MedGen C1858477, MONDO:0020310.
DEPDC5-related disorder. Also called: DEPDC5-related condition; DEPDC5-related related disorder.
Inborn genetic diseases. Identifiers: MedGen C0950123, MeSH D030342.

Allele frequency attached by ClinVar (database versions not stated): 1000 Genomes Project 30x 0.00016; gnomAD 0.00063 and 0.00066; TOPMed 0.00067; ExAC 0.00087; ESP Exome Variant Server 0.00104.
gnomAD v4.1: 1,843 of 1,606,862 alleles (0.11%); highest among the groups gnomAD compares: Non-Finnish European, 0.14%; 2 homozygotes.

Submissions (10):

Labcorp Genetics (formerly Invitae), Labcorp
Classification: Benign for Familial focal epilepsy with variable foci. Last evaluated: 2026-01-26. Review status: criteria provided, single submitter. Criteria: Invitae Variant Classification Sherloc (09022015). Collection method: clinical testing. Allele origin: germline.

Blueprint Genetics
Classification: Likely benign. Last evaluated: 2024-10-25. Review status: criteria provided, single submitter. Criteria: ACMG Guidelines, 2015. Collection method: clinical testing. Allele origin: germline.

ARUP Laboratories, Molecular Genetics and Genomics, ARUP Laboratories
Classification: Benign. Last evaluated: 2024-10-11. Review status: criteria provided, single submitter. Criteria: ARUP Molecular Germline Variant Investigation Process 2024. Collection method: clinical testing. Allele origin: germline.

CeGaT Center for Human Genetics Tuebingen
Classification: Likely benign. Last evaluated: 2024-10-01. Review status: criteria provided, single submitter. Criteria: CeGaT Center For Human Genetics Tuebingen Variant Classification Criteria Version 2. Collection method: clinical testing. Allele origin: germline. Affected: yes. Observed: 3 variant alleles.
Comment: DEPDC5: BP4, BP7

Athena Diagnostics
Classification: Benign. Last evaluated: 2024-01-12. Review status: criteria provided, single submitter. Criteria: Athena Diagnostics Criteria. Collection method: clinical testing. Allele origin: unknown.

GeneDx
Classification: Benign. Last evaluated: 2018-10-24. Review status: criteria provided, single submitter. Criteria: GeneDx Variant Classification Process June 2021. Collection method: clinical testing. Allele origin: germline. Affected: yes.

Ambry Genetics
Classification: Likely benign for Inborn genetic diseases. Last evaluated: 2017-02-03. Review status: criteria provided, single submitter. Criteria: Ambry Variant Classification Scheme 2023. Collection method: clinical testing. Allele origin: germline.

PreventionGenetics, part of Exact Sciences
Classification: Likely benign for DEPDC5-related condition. Last evaluated: 2021-05-03. Review status: no assertion criteria provided. Collection method: clinical testing. Allele origin: germline. Not counted in ClinVar's aggregate classification.
Comment: This variant is classified as likely benign based on ACMG/AMP sequence variant interpretation guidelines (Richards et al. 2015 PMID: 25741868, with internal and published modifications).

Clinical Genetics DNA and cytogenetics Diagnostics Lab, Erasmus MC, Erasmus Medical Center
Classification: Likely benign. Review status: no assertion criteria provided. Collection method: clinical testing. Allele origin: germline. Affected: yes. Study: VKGL Data-share Consensus. Not counted in ClinVar's aggregate classification.

Genome Diagnostics Laboratory, University Medical Center Utrecht
Classification: Likely benign. Review status: no assertion criteria provided. Collection method: clinical testing. Allele origin: germline. Affected: yes. Study: VKGL Data-share Consensus. Not counted in ClinVar's aggregate classification.